The following is an entry in ClinVar:

ClinVar aggregate classification (germline): Uncertain significance (1 of 4 stars; one submission).

Conditions:
Cardiomyopathy (CMYO). Also called: Cardiomyopathies. Identifiers: Orphanet 167848, MedGen C0878544, MONDO:0004994, HP:0001638. Inheritance: Various modes of inheritance.

Submission:

Color Diagnostics, LLC DBA Color Health
Classification: Uncertain significance for Cardiomyopathy. Last evaluated: 2021-01-25. Review status: criteria provided, single submitter. Criteria: ACMG Guidelines, 2015. Collection method: clinical testing. Allele origin: germline.
Comment: This variant deletes 1 nucleotide in exon 5 of the MYH7 gene, creating a frameshift and premature translation stop signal. This variant is expected to result in an absent or non-functional protein product. To our knowledge, this variant has not been reported in individuals affected with cardiovascular disorders in the literature. This variant has not been identified in the general population by the Genome Aggregation Database (gnomAD). Clinical relevance of loss-of-function MYH7 truncation variants in autosomal dominant cardiovascular disorders is not clearly established. The available evidence is insufficient to determine the role of this variant in disease conclusively. Therefore, this variant is classified as a Variant of Uncertain Significance.

NM_000257.4(MYH7):c.418del (p.Ala140fs)

Gene: MYH7 (myosin heavy chain 7; minus strand). Cytogenetic location: 14q11.2.
Variant type: Deletion.
Coding change: c.418del on transcript NM_000257.4 (MANE Select); coding-DNA position 418, one base deleted (G; older notation c.418delG).
Protein change: p.Ala140fs; shifts the reading frame from alanine 140.
Molecular consequence: frameshift variant.
Genome position (GRCh38, 1-based): chr14:23,432,723, C deleted on the plus strand (G on the coding strand, the reverse complement: MYH7 is on the minus strand); the first of 2 consecutive C bases (chr14:23,432,723-23,432,724); deleting either gives the same sequence. VCF-style (leftmost placement, unchanged base first): chr14-23432722-GC-G. GRCh37 (hg19) VCF-style: chr14-23901931-GC-G.
Other names: short protein forms A140fs.
Identifiers: ClinVar variation 1332112 (VCV001332112.2), dbSNP rs2138684658, ClinGen allele CA2573053881.